The following is an entry in ClinVar:

NM_001277115.2(DNAH11):c.8935C>T (p.Leu2979Phe)

Gene: DNAH11 (dynein axonemal heavy chain 11; plus strand). Cytogenetic location: 7p15.3.
Variant type: single nucleotide variant.
Coding change: c.8935C>T on transcript NM_001277115.2 (MANE Select); coding-DNA position 8935, C replaced by T.
Protein change: p.Leu2979Phe; replaces leucine 2979 with phenylalanine.
Molecular consequence: missense variant.
Genome position (GRCh38, 1-based): chr7:21,750,359, C>T. VCF-style: chr7-21750359-C-T. GRCh37 (hg19) VCF-style: chr7-21789977-C-T.
Other names: short protein forms L2979F.
Identifiers: ClinVar variation 3840814 (VCV003840814.1).

ClinVar aggregate classification (germline): Uncertain significance (1 of 4 stars; one submission).

Conditions:
Primary ciliary dyskinesia. Also called: Ciliary dyskinesia. Identifiers: Orphanet 244, MedGen C0008780, MONDO:0016575, HP:0012265.

gnomAD v4.1: 1 of 1,601,178 alleles (0.000062%); highest among the groups gnomAD compares: Non-Finnish European, 0.000085%; no homozygotes.

Submission:

Ambry Genetics
Classification: Uncertain significance for Primary ciliary dyskinesia. Last evaluated: 2024-12-28. Review status: criteria provided, single submitter. Criteria: Ambry Variant Classification Scheme 2023. Collection method: clinical testing. Allele origin: germline.
Comment: The p.L2979F variant (also known as c.8935C>T), located in coding exon 54 of the DNAH11 gene, results from a C to T substitution at nucleotide position 8935. The leucine at codon 2979 is replaced by phenylalanine, an amino acid with highly similar properties. This amino acid position is conserved. In addition, the in silico prediction for this alteration is inconclusive. Based on the available evidence, the clinical significance of this variant remains unclear.